The following is an entry in ClinVar:

ClinVar aggregate classification (germline): Uncertain significance (1 of 4 stars; one submission).

gnomAD v4.1: 1 of 1,614,006 alleles (0.000062%); highest among the groups gnomAD compares: African/African-American, 0.0013%; no homozygotes.

Submission:

GeneDx
Classification: Uncertain significance. Last evaluated: 2024-10-31. Review status: criteria provided, single submitter. Criteria: GeneDx Variant Classification Process June 2021. Collection method: clinical testing. Allele origin: germline. Affected: yes.
Comment: In silico analysis supports that this missense variant has a deleterious effect on protein structure/function; Has not been previously published as pathogenic or benign to our knowledge

NM_001384140.1(PCDH15):c.1468A>C (p.Ser490Arg)

Gene: PCDH15 (protocadherin related 15; minus strand). Cytogenetic location: 10q21.1.
Variant type: single nucleotide variant.
Coding change: c.1468A>C on transcript NM_001384140.1 (MANE Select); coding-DNA position 1468, A replaced by C.
Protein change: p.Ser490Arg; replaces serine 490 with arginine.
Molecular consequence: missense variant.
Genome position (GRCh38, 1-based): chr10:54,183,566, T>G on the plus strand (A>C on the coding strand, the complement: PCDH15 is on the minus strand). VCF-style: chr10-54183566-T-G. GRCh37 (hg19) VCF-style: chr10-55943326-T-G.
Other names: c.1483A>C, p.Ser495Arg (NM_001142763.2, NM_001142771.2); c.1468A>C, p.Ser490Arg (NM_001142764.2, NM_001142765.2, NM_001142766.2 and 6 more transcripts); c.1357A>C, p.Ser453Arg (NM_001142767.2); c.1402A>C, p.Ser468Arg (NM_001142768.2, NM_001142773.2, NM_001354404.2); c.1504A>C, p.Ser502Arg (NM_001142769.4); c.1489A>C, p.Ser497Arg (NM_001354411.2); short protein forms S453R, S468R, S490R, S495R, S497R, S502R.
Identifiers: ClinVar variation 3897234 (VCV003897234.1).